The following is an entry in ClinVar:

NM_002241.5(KCNJ10):c.20T>C (p.Val7Ala)

Gene: KCNJ10 (potassium inwardly rectifying channel subfamily J member 10; minus strand). Cytogenetic location: 1q23.2.
Variant type: single nucleotide variant.
Coding change: c.20T>C on transcript NM_002241.5 (MANE Select); coding-DNA position 20, T replaced by C.
Protein change: p.Val7Ala; replaces valine 7 with alanine.
Molecular consequence: missense variant.
Genome position (GRCh38, 1-based): chr1:160,042,513, A>G on the plus strand (T>C on the coding strand, the complement: KCNJ10 is on the minus strand). VCF-style: chr1-160042513-A-G. GRCh37 (hg19) VCF-style: chr1-160012303-A-G.
Other names: short protein forms V7A.
Identifiers: ClinVar variation 1035994 (VCV001035994.9), dbSNP rs1440235554, ClinGen allele CA343231285.

ClinVar aggregate classification (germline): Uncertain significance (1 of 4 stars; one submission).

Conditions:
EAST syndrome (SESAMES). Also called: SEIZURES, SENSORINEURAL DEAFNESS, ATAXIA, IMPAIRED INTELLECTUAL DEVELOPMENT, AND ELECTROLYTE IMBALANCE. Identifiers: Orphanet 199343, MedGen C2748572, MONDO:0013005, OMIM 612780.

Allele frequency attached by ClinVar (database versions not stated): gnomAD exomes below 0.00001; gnomAD 0.00002 and 0.00003.
gnomAD v4.1: 4 of 1,613,950 alleles (0.00025%); highest among the groups gnomAD compares: African/African-American, 0.0053%; no homozygotes.

Submission:

Labcorp Genetics (formerly Invitae), Labcorp
Classification: Uncertain significance for EAST syndrome. Last evaluated: 2026-01-01. Review status: criteria provided, single submitter. Criteria: Invitae Variant Classification Sherloc (09022015). Collection method: clinical testing. Allele origin: germline.
Comment: This sequence change replaces valine, which is neutral and non-polar, with alanine, which is neutral and non-polar, at codon 7 of the KCNJ10 protein (p.Val7Ala). This variant is present in population databases (no rsID available, gnomAD 0.01%). This variant has not been reported in the literature in individuals affected with KCNJ10-related conditions. ClinVar contains an entry for this variant (Variation ID: 1035994). Invitae Evidence Modeling of protein sequence and biophysical properties (such as structural, functional, and spatial information, amino acid conservation, physicochemical variation, residue mobility, and thermodynamic stability) indicates that this missense variant is not expected to disrupt KCNJ10 protein function with a negative predictive value of 95%. In summary, the available evidence is currently insufficient to determine the role of this variant in disease. Therefore, it has been classified as a Variant of Uncertain Significance.